The following is an entry in ClinVar:

NM_001754.5(RUNX1):c.1181G>A (p.Gly394Asp)

Gene: RUNX1 (RUNX family transcription factor 1; minus strand). Cytogenetic location: 21q22.12.
Variant type: single nucleotide variant.
Coding change: c.1181G>A on transcript NM_001754.5 (MANE Select); coding-DNA position 1181, G replaced by A.
Protein change: p.Gly394Asp; replaces glycine 394 with aspartic acid.
Molecular consequence: missense variant.
Genome position (GRCh38, 1-based): chr21:34,792,397, C>T on the plus strand (G>A on the coding strand, the complement: RUNX1 is on the minus strand). VCF-style: chr21-34792397-C-T. GRCh37 (hg19) VCF-style: chr21-36164694-C-T.
Other names: NM_001754.5(RUNX1):c.1181G>A; p.Gly394Asp; c.1100G>A, p.Gly367Asp (NM_001001890.3); short protein forms G367D, G394D.
Identifiers: ClinVar variation 1507291 (VCV001507291.9), dbSNP rs2145875783, ClinGen allele CA410147847.
Genomic context (GRCh38, chr21:34,792,397, plus strand): 5'-TAGGAGCCGGCCGAGGCGCCGTAGTACAGGTGGTAGGAGGGCGAGCTGGCTTGGAACGGG[C>T]CTCCCTGCGCTTGCGACGAGCCGGGGTAGGGCGGCGGCAGGTAGGTGTGGTAGCGCGTGG-3'
Protein context (NP_001745.2, residues 384-404): PYPGSSQAQG[Gly394Asp]PFQASSPSYH

ClinVar aggregate classification (germline): Uncertain significance. Review status: reviewed by expert panel (3 of 4 stars). 2 submissions from 2 submitters: Uncertain significance (1). 1 of the submissions does not count toward it. Last evaluated 2024-09-25.

Conditions:
Hereditary thrombocytopenia and hematologic cancer predisposition syndrome. Identifiers: Orphanet 71290, MedGen CN281654, MONDO:0011071.
Hereditary thrombocytopenia and hematological cancer predisposition syndrome associated with RUNX1. Also called: RUNX1 Familial Platelet Disorder with Associated Myeloid Malignancies; Familial Platelet Disorder with Propensity to Acute Myelogenous Leukemia; Familial thrombocytopenia with propensity to acute myelogenous leukemia; PLATELET DISORDER, ASPIRIN-LIKE. Identifiers: Orphanet 71290, MedGen C1832388, MeSH C563324, MONDO:0100083, OMIM 601399.

Submissions (2):

ClinGen Myeloid Malignancy Variant Curation Expert Panel
Classification: Uncertain significance for Hereditary thrombocytopenia and hematologic cancer predisposition syndrome. Last evaluated: 2024-09-25. Review status: reviewed by expert panel. Criteria: ClinGen MyeloMalig ACMG Specifications v2. Collection method: curation. Allele origin: germline. Inheritance: Autosomal dominant inheritance.
Comment: NM_001754.5(RUNX1):c.1181G>A (p.Gly394Asp) is a missense variant. This variant is completely absent from all population databases with at least 20x coverage for RUNX1 (PM2_supporting). This missense variant has a REVEL score <0.50 (0.161) and a spliceAI score <0.2 (0.0) (BP4). In summary, the clinical significance of this variant is uncertain. ACMG/AMP criteria applied, as specified by the Myeloid Malignancy Variant Curation Expert Panel for RUNX1: PM2_supporting, BP4.

Labcorp Genetics (formerly Invitae), Labcorp
Classification: Uncertain significance for Hereditary thrombocytopenia and hematological cancer predisposition syndrome associated with RUNX1. Last evaluated: 2021-01-19. Review status: criteria provided, single submitter. Criteria: Invitae Variant Classification Sherloc (09022015). Collection method: clinical testing. Allele origin: germline. Not counted in ClinVar's aggregate classification.
Comment: This sequence change replaces glycine with aspartic acid at codon 394 of the RUNX1 protein (p.Gly394Asp). The glycine residue is weakly conserved and there is a moderate physicochemical difference between glycine and aspartic acid. This variant is not present in population databases (ExAC no frequency). This variant has not been reported in the literature in individuals with RUNX1-related conditions. Algorithms developed to predict the effect of missense changes on protein structure and function (SIFT, PolyPhen-2, Align-GVGD) all suggest that this variant is likely to be tolerated, but these predictions have not been confirmed by published functional studies and their clinical significance is uncertain. In summary, the available evidence is currently insufficient to determine the role of this variant in disease. Therefore, it has been classified as a Variant of Uncertain Significance.